The following is an entry in ClinVar:

NM_001378183.1(PIEZO2):c.7946_7949dup (p.Gln2650fs)

Gene: PIEZO2 (piezo type mechanosensitive ion channel component 2; minus strand). Cytogenetic location: 18p11.22.
Variant type: Duplication.
Coding change: c.7946_7949dup on transcript NM_001378183.1 (MANE Select); coding-DNA positions 7946 to 7949, 4 bases duplicated (TTCA; older notation c.7946_7949dupTTCA).
Protein change: p.Gln2650fs; shifts the reading frame from glutamine 2650.
Molecular consequence: frameshift variant.
Genome position (GRCh38, 1-based): chr18:10,680,202-10,680,205, TGAA duplicated on the plus strand (TTCA on the coding strand, the reverse complement: PIEZO2 is on the minus strand); duplicating any 4 consecutive bases within chr18:10,680,202-10,680,206 gives the same sequence; the c. name uses the placement nearest the transcript's 3' end. VCF-style (leftmost placement, unchanged base first): chr18-10680201-C-CTGAA. GRCh37 (hg19) VCF-style: chr18-10680198-C-CTGAA.
Other names: c.7682_7685dup, p.Gln2562fs (NM_001410871.1); c.7607_7610dup, p.Gln2537fs (NM_022068.4); c.7607_7610dup (NM_022068.3); short protein forms Q2537fs, Q2562fs, Q2650fs.
Identifiers: ClinVar variation 3777099 (VCV003777099.1).

ClinVar aggregate classification (germline): Pathogenic (1 of 4 stars; one submission).

Conditions:
Arthrogryposis, distal, with impaired proprioception and touch (DAIPT). Identifiers: MedGen C4310692, MONDO:0014941, OMIM 617146.

Submission:

University of Washington Department of Laboratory Medicine, University of Washington
Classification: Pathogenic for Arthrogryposis, distal, with impaired proprioception and touch. Last evaluated: 2021-10-14. Review status: criteria provided, single submitter. Criteria: ACMG Guidelines, 2015. Collection method: clinical testing. Allele origin: paternal. Affected: yes.
Comment: This variant results in a 4bp duplication in exon 48 of 52 exons, which causes a shift in the protein reading frame, leading to a premature termination codon 17 amino acids downstream. Nonsense-mediated decay resulting in a truncated or absent protein is predicted with this variant. These predictions have not been tested directly. Using ACMG guidelines, this variant was classified as pathogenic for autosomal recessive distal arthrogryposis with impaired proprioception and touch (ACMG evidence codes used: PVS1, PM2_supporting, PM3).